The following is an entry in ClinVar:

NM_201384.3(PLEC):c.4030A>G (p.Met1344Val)

Gene: PLEC (plectin; minus strand). Cytogenetic location: 8q24.3.
Variant type: single nucleotide variant.
Coding change: c.4030A>G on transcript NM_201384.3 (MANE Select); coding-DNA position 4030, A replaced by G.
Protein change: p.Met1344Val; replaces methionine 1344 with valine.
Molecular consequence: missense variant.
Genome position (GRCh38, 1-based): chr8:143,926,798, T>C on the plus strand (A>G on the coding strand, the complement: PLEC is on the minus strand). VCF-style: chr8-143926798-T-C. GRCh37 (hg19) VCF-style: chr8-145000966-T-C.
Other names: c.4111A>G, p.Met1371Val (NM_000445.5, NM_001410941.1); c.3988A>G, p.Met1330Val (NM_201378.4); c.3964A>G, p.Met1322Val (NM_201379.3); c.4441A>G, p.Met1481Val (NM_201380.4); c.3934A>G, p.Met1312Val (NM_201381.3); c.4030A>G, p.Met1344Val (NM_201382.4); c.4042A>G, p.Met1348Val (NM_201383.3); c.4111A>G (NM_000445.3); short protein forms M1312V, M1322V, M1330V, M1344V, M1348V, M1371V, M1481V.
Identifiers: ClinVar variation 3758182 (VCV003758182.4).

ClinVar aggregate classification (germline): Uncertain significance. Review status: criteria provided, multiple submitters, no conflicts (2 of 4 stars). 3 submissions from 3 submitters: Uncertain significance (3). Last evaluated 2025-03-11.

Conditions:
Inborn genetic diseases. Identifiers: MedGen C0950123, MeSH D030342.
Epidermolysis bullosa simplex 5B, with muscular dystrophy (EBS5B). Also called: Epidermolysis bullosa simplex with muscular dystrophy; EPIDERMOLYSIS BULLOSA SIMPLEX AND LIMB-GIRDLE MUSCULAR DYSTROPHY. Identifiers: Orphanet 257, MedGen C2931072, MONDO:0009181, OMIM 226670.
Epidermolysis bullosa simplex with nail dystrophy (EBS5D). Identifiers: MedGen C4225309, MONDO:0014661, OMIM 616487.
Epidermolysis bullosa simplex, Ogna type (EBS5A). Also called: Pidermolysis bullosa simplex 5A, Ogna type; EPIDERMOLYSIS BULLOSA SIMPLEX 5A, OGNA TYPE. Identifiers: Orphanet 79401, MedGen C0432317, MONDO:0007555, OMIM 131950.
Epidermolysis bullosa simplex 5C, with pyloric atresia (EBS5C). Also called: PLEC1-Related Epidermolysis Bullosa with Pyloric Atresia; PLEC-Related Epidermolysis Bullosa with Pyloric Atresia; Epidermolysis bullosa simplex with pyloric atresia. Identifiers: Orphanet 158684, MedGen C2677349, MONDO:0012807, OMIM 612138.
Autosomal recessive limb-girdle muscular dystrophy type 2Q (LGMDR17). Also called: MUSCULAR DYSTROPHY, LIMB-GIRDLE, AUTOSOMAL RECESSIVE 17. Identifiers: Orphanet 254361, MedGen C3150989, MONDO:0013390, OMIM 613723.

Submissions (3):

Ambry Genetics
Classification: Uncertain significance for Inborn genetic diseases. Last evaluated: 2025-03-11. Review status: criteria provided, single submitter. Criteria: Ambry Variant Classification Scheme 2023. Collection method: clinical testing. Allele origin: germline.

Labcorp Genetics (formerly Invitae), Labcorp
Classification: Uncertain significance for Autosomal recessive limb-girdle muscular dystrophy type 2Q; Epidermolysis bullosa simplex, Ogna type; Epidermolysis bullosa simplex with nail dystrophy; Epidermolysis bullosa simplex 5C, with pyloric atresia; Epidermolysis bullosa simplex 5B, with muscular dystrophy. Last evaluated: 2024-07-17. Review status: criteria provided, single submitter. Criteria: Invitae Variant Classification Sherloc (09022015). Collection method: clinical testing. Allele origin: germline.
Comment: This sequence change replaces methionine, which is neutral and non-polar, with valine, which is neutral and non-polar, at codon 1371 of the PLEC protein (p.Met1371Val). This variant is present in population databases (rs782208072, gnomAD 0.006%). This variant has not been reported in the literature in individuals affected with PLEC-related conditions. Advanced modeling of protein sequence and biophysical properties (such as structural, functional, and spatial information, amino acid conservation, physicochemical variation, residue mobility, and thermodynamic stability) performed at Invitae indicates that this missense variant is not expected to disrupt PLEC protein function with a negative predictive value of 80%. In summary, the available evidence is currently insufficient to determine the role of this variant in disease. Therefore, it has been classified as a Variant of Uncertain Significance.

Blueprint Genetics
Classification: Uncertain significance. Last evaluated: 2022-06-15. Review status: criteria provided, single submitter. Criteria: ACMG Guidelines, 2015. Collection method: clinical testing. Allele origin: germline.